The following is an entry in ClinVar:

NM_019066.5(MAGEL2):c.3670G>C (p.Glu1224Gln)

Gene: MAGEL2 (MAGE family member L2; minus strand). Cytogenetic location: 15q11.2.
Variant type: single nucleotide variant.
Coding change: c.3670G>C on transcript NM_019066.5 (MANE Select); coding-DNA position 3670, G replaced by C.
Protein change: p.Glu1224Gln; replaces glutamic acid 1224 with glutamine.
Molecular consequence: missense variant.
Genome position (GRCh38, 1-based): chr15:23,644,073, C>G on the plus strand (G>C on the coding strand, the complement: MAGEL2 is on the minus strand). VCF-style: chr15-23644073-C-G. GRCh37 (hg19) VCF-style: chr15-23889220-C-G.
Other names: short protein forms E1224Q.
Identifiers: ClinVar variation 3350224 (VCV003350224.1).

ClinVar aggregate classification (germline): Uncertain significance (0 of 4 stars; one submission).

Conditions:
MAGEL2-related disorder. Also called: MAGEL2-related condition.

Submission:

PreventionGenetics, part of Exact Sciences
Classification: Uncertain significance for MAGEL2-related condition. Last evaluated: 2024-01-19. Review status: no assertion criteria provided. Collection method: clinical testing. Allele origin: germline.
Comment: The MAGEL2 c.3670G>C variant is predicted to result in the amino acid substitution p.Glu1224Gln. To our knowledge, this variant has not been reported in the literature. This variant is reported in 0.0033% of alleles in individuals of South Asian descent in gnomAD. At this time, the clinical significance of this variant is uncertain due to the absence of conclusive functional and genetic evidence.